The following is an entry in ClinVar:

NM_000548.5(TSC2):c.3520del (p.Arg1174fs)

Gene: TSC2 (TSC complex subunit 2; plus strand). Cytogenetic location: 16p13.3.
Variant type: Deletion.
Coding change: c.3520del on transcript NM_000548.5 (MANE Select); coding-DNA position 3520, one base deleted (C; older notation c.3520delC).
Protein change: p.Arg1174fs; shifts the reading frame from arginine 1174.
Molecular consequence: frameshift variant.
Genome position (GRCh38, 1-based): chr16:2,080,287, C deleted; the last of 3 consecutive C bases (chr16:2,080,285-2,080,287); deleting any one gives the same sequence. VCF-style (leftmost placement, unchanged base first): chr16-2080284-AC-A. GRCh37 (hg19) VCF-style: chr16-2130285-AC-A.
Other names: c.3388del, p.Arg1130fs (NM_001077183.3, NM_001370404.1); c.3520del, p.Arg1174fs (NM_001114382.3); c.3280del, p.Arg1094fs (NM_001318827.2); c.3244del, p.Arg1082fs (NM_001318829.2); c.2788del, p.Arg930fs (NM_001318831.2); c.3421del, p.Arg1141fs (NM_001318832.2); c.3391del, p.Arg1131fs (NM_001363528.2, NM_001370405.1, NM_021055.3); short protein forms R1082fs, R1094fs, R930fs, R1130fs, R1141fs, R1174fs, R1131fs.
Identifiers: ClinVar variation 49261 (VCV000049261.6), dbSNP rs137854326, ClinGen allele CA019245.

ClinVar aggregate classification (germline): Pathogenic. Review status: criteria provided, single submitter (1 of 4 stars). 2 submissions from 2 submitters: Pathogenic (1). 1 of the submissions does not count toward it. Last evaluated 2022-05-27.

Conditions:
Tuberous sclerosis syndrome (TSC). Also called: Tuberous Sclerosis Complex; Tuberous sclerosis. Identifiers: Orphanet 805, MedGen C0041341, MONDO:0001734.
Tuberous sclerosis 2 (TSC2). Identifiers: Orphanet 805, MedGen C1860707, MONDO:0013199, OMIM 613254.

Submissions (2):

Labcorp Genetics (formerly Invitae), Labcorp
Classification: Pathogenic for Tuberous sclerosis 2. Last evaluated: 2022-05-27. Review status: criteria provided, single submitter. Criteria: Invitae Variant Classification Sherloc (09022015). Collection method: clinical testing. Allele origin: germline.
Comment: This sequence change creates a premature translational stop signal (p.Arg1174Glyfs*17) in the TSC2 gene. It is expected to result in an absent or disrupted protein product. Loss-of-function variants in TSC2 are known to be pathogenic (PMID: 10205261, 17304050). This variant is not present in population databases (gnomAD no frequency). For these reasons, this variant has been classified as Pathogenic. ClinVar contains an entry for this variant (Variation ID: 49261). This premature translational stop signal has been observed in individual(s) with tuberous sclerosis complex (PMID: 20165957).

Tuberous sclerosis database (TSC2)
No classification provided. Condition: TSC. Review status: no classification provided. Criteria: Tuberous Sclerosis Database Assertion Criteria 2015. Collection method: curation. Allele origin: germline. Affected: yes. Not counted in ClinVar's aggregate classification.

Literature cited by the submitters: PubMed 10205261 (cited by Labcorp Genetics (formerly Invitae), Labcorp); PubMed 17304050 (cited by Labcorp Genetics (formerly Invitae), Labcorp); PubMed 20165957 (cited by Labcorp Genetics (formerly Invitae), Labcorp).